The following is an entry in ClinVar:

ClinVar aggregate classification (germline): Uncertain significance (1 of 4 stars; one submission).

Conditions:
Inborn genetic diseases. Identifiers: MedGen C0950123, MeSH D030342.

Submission:

Ambry Genetics
Classification: Uncertain significance for Inborn genetic diseases. Last evaluated: 2024-04-10. Review status: criteria provided, single submitter. Criteria: Ambry Variant Classification Scheme 2023. Collection method: clinical testing. Allele origin: germline.
Comment: The p.Q750E variant (also known as c.2248C>G), located in coding exon 10 of the ATR gene, results from a C to G substitution at nucleotide position 2248. The glutamine at codon 750 is replaced by glutamic acid, an amino acid with highly similar properties. This amino acid position is conserved. In addition, this alteration is predicted to be tolerated by in silico analysis. Based on the available evidence, the clinical significance of this variant remains unclear.

NM_001184.4(ATR):c.2248C>G (p.Gln750Glu)

Gene: ATR (ATR serine/threonine kinase; minus strand). Cytogenetic location: 3q23.
Variant type: single nucleotide variant.
Coding change: c.2248C>G on transcript NM_001184.4 (MANE Select); coding-DNA position 2248, C replaced by G.
Protein change: p.Gln750Glu; replaces glutamine 750 with glutamic acid.
Molecular consequence: missense variant.
Genome position (GRCh38, 1-based): chr3:142,555,970, G>C on the plus strand (C>G on the coding strand, the complement: ATR is on the minus strand). VCF-style: chr3-142555970-G-C. GRCh37 (hg19) VCF-style: chr3-142274812-G-C.
Other names: c.2056C>G, p.Gln686Glu (NM_001354579.2); short protein forms Q686E, Q750E.
Identifiers: ClinVar variation 3331522 (VCV003331522.1).